The following is an entry in ClinVar:

NM_025233.7(COASY):c.1513_1517dup (p.Ser507fs)

Gene: COASY (Coenzyme A synthase; plus strand). Cytogenetic location: 17q21.2.
Variant type: Duplication.
Coding change: c.1513_1517dup on transcript NM_025233.7 (MANE Select); coding-DNA positions 1513 to 1517, 5 bases duplicated (GGCCT; older notation c.1513_1517dupGGCCT).
Protein change: p.Ser507fs; shifts the reading frame from serine 507.
Molecular consequence: frameshift variant.
Genome position (GRCh38, 1-based): chr17:42,565,686-42,565,690, GGCCT duplicated; duplicating any 5 consecutive bases within chr17:42,565,685-42,565,690 gives the same sequence; the c. name uses the placement nearest the transcript's 3' end. VCF-style (leftmost placement, unchanged base first): chr17-42565684-A-ATGGCC. GRCh37 (hg19) VCF-style: chr17-40717702-A-ATGGCC.
Other names: c.1513_1517dup, p.Ser507fs (NM_001042529.3); c.1600_1604dup, p.Ser536fs (NM_001042532.4); short protein forms S536fs, S507fs.
Identifiers: ClinVar variation 5005758 (VCV005005758.2).

ClinVar aggregate classification (germline): Likely pathogenic (1 of 4 stars; one submission).

Conditions:
Pontocerebellar hypoplasia, type 12. Identifiers: Orphanet 611256, MedGen C4748873, MONDO:0032643, OMIM 618266.
Neurodegeneration with brain iron accumulation 6 (NBIA6). Also called: COASY protein-associated neurodegeneration. Identifiers: Orphanet 397725, MedGen C4517377, MONDO:0014290, OMIM 615643.

Submission:

Juno Genomics, Hangzhou Juno Genomics, Inc
Classification: Likely pathogenic for Neurodegeneration with brain iron accumulation 6; Pontocerebellar hypoplasia, type 12. Review status: criteria provided, single submitter. Criteria: ACMG Guidelines, 2015. Collection method: clinical testing. Allele origin: germline.
Comment: Null variant in a gene where loss of function (LOF) is a known mechanism of disease.;Absent from controls (or at extremely low frequency if recessive) in Genome Aggregation Database.